The following is an entry in ClinVar:

NM_000245.4(MET):c.1620G>A (p.Trp540Ter)

Gene: MET (MET proto-oncogene, receptor tyrosine kinase; plus strand). Cytogenetic location: 7q31.2.
Variant type: single nucleotide variant.
Coding change: c.1620G>A on transcript NM_000245.4 (MANE Select); coding-DNA position 1620, G replaced by A.
Protein change: p.Trp540Ter; replaces tryptophan 540 with a stop codon.
Molecular consequence: nonsense.
Genome position (GRCh38, 1-based): chr7:116,740,944, G>A. VCF-style: chr7-116740944-G-A. GRCh37 (hg19) VCF-style: chr7-116380998-G-A.
Other names: c.1620G>A, p.Trp540Ter (NM_001127500.3, NM_001324401.3); c.330G>A, p.Trp110Ter (NM_001324402.2); short protein forms W540*, W110*.
Identifiers: ClinVar variation 2562476 (VCV002562476.2), dbSNP rs2116836070, ClinGen allele CA368975497.

ClinVar aggregate classification (germline): Uncertain significance (1 of 4 stars; one submission).

Conditions:
Hereditary cancer-predisposing syndrome. Also called: Neoplastic Syndromes, Hereditary; Hereditary Cancer Syndrome; Hereditary neoplastic syndrome; Tumor predisposition. Identifiers: Orphanet 140162, MedGen C0027672, MeSH D009386, MONDO:0015356.

Submission:

Ambry Genetics
Classification: Uncertain significance for Hereditary cancer-predisposing syndrome. Last evaluated: 2023-05-23. Review status: criteria provided, single submitter. Criteria: Ambry Variant Classification Scheme 2023. Collection method: clinical testing. Allele origin: germline.
Comment: The p.W540* variant (also known as c.1620G>A), located in coding exon 4 of the MET gene, results from a G to A substitution at nucleotide position 1620. This changes the amino acid from a tryptophan to a stop codon within coding exon 4. This alteration is expected to result in protein truncation or nonsense-mediated mRNA decay. However, loss of function of MET has not been established as a mechanism of disease. Since supporting evidence is limited at this time, the clinical significance of this alteration remains unclear.